The following is an entry in ClinVar:

ClinVar aggregate classification (germline): Uncertain significance. Review status: criteria provided, multiple submitters, no conflicts (2 of 4 stars). 8 submissions from 8 submitters: Uncertain significance (6). 2 of the submissions do not count toward it. Last evaluated 2025-08-28.

Conditions:
CFTR-related disorder (CFTR-RD). Also called: CFTR-related disorders; CFTR-related condition. Identifiers: MedGen C5924204, MONDO:7770004.
Cystic fibrosis (CF). Also called: MUCOVISCIDOSIS. Identifiers: Orphanet 586, MedGen C0010674, MONDO:0009061, OMIM 219700. Disease mechanism: loss of function.

Allele frequency attached by ClinVar (database versions not stated): 1000 Genomes Project 30x 0.00031; gnomAD below 0.00001 and 0.00003; 1000 Genomes Project 0.00040.
gnomAD v4.1: 132 of 1,585,350 alleles (0.0083%); highest among the groups gnomAD compares: East Asian, 0.19%; 1 homozygote.

Submissions (8):

Women's Health and Genetics/Laboratory Corporation of America, LabCorp
Classification: Uncertain significance. Last evaluated: 2025-08-28. Review status: criteria provided, single submitter. Criteria: LabCorp Variant Classification Summary - May 2015. Collection method: clinical testing. Allele origin: germline.
Comment: Variant summary: CFTR c.1196C>T (p.Ala399Val) results in a non-conservative amino acid change located in the ATP-binding cassette domain 1 (IPR047082) of the encoded protein sequence. Algorithms developed to predict the effect of missense changes on protein structure and function all suggest that this variant is likely to be disruptive. The variant allele was found at a frequency of 0.00011 in 250798 control chromosomes, predominantly at a frequency of 0.00082 within the East Asian subpopulation in the gnomAD database. This frequency is not significantly higher than estimated for disease-causing variants in CFTR, allowing no conclusion about variant significance. c.1196C>T has been observed in a patient with idiopathic pancreatitis (Pelletier_2010) and was listed to be found in a cohort of newborns with positive CF screening tests (Bozdogan_2021). In addition, the variant is cited in the SickKids database in a patient with disseminated bronchiectasis with a normal sweat chloride concentration. However no second variant was specified in these cases. These reports do not provide unequivocal conclusions about association of the variant with CFTR-Related Diseases. To our knowledge, no experimental evidence demonstrating an impact on protein function has been reported. The following publications have been ascertained in the context of this evaluation (PMID: 20460946, 33572515). ClinVar contains an entry for this variant (Variation ID: 495889). Based on the evidence outlined above, the variant was classified as uncertain significance.

Labcorp Genetics (formerly Invitae), Labcorp
Classification: Uncertain significance for Cystic fibrosis. Last evaluated: 2025-01-22. Review status: criteria provided, single submitter. Criteria: Invitae Variant Classification Sherloc (09022015). Collection method: clinical testing. Allele origin: germline.
Comment: This sequence change replaces alanine, which is neutral and non-polar, with valine, which is neutral and non-polar, at codon 399 of the CFTR protein (p.Ala399Val). This variant is present in population databases (rs146463120, gnomAD 0.06%). This missense change has been observed in individual(s) with idiopathic pancreatitis (PMID: 20460946). ClinVar contains an entry for this variant (Variation ID: 495889). Invitae Evidence Modeling of protein sequence and biophysical properties (such as structural, functional, and spatial information, amino acid conservation, physicochemical variation, residue mobility, and thermodynamic stability) indicates that this missense variant is expected to disrupt CFTR protein function with a positive predictive value of 80%. In summary, the available evidence is currently insufficient to determine the role of this variant in disease. Therefore, it has been classified as a Variant of Uncertain Significance.

Quest Diagnostics Nichols Institute San Juan Capistrano
Classification: Uncertain significance. Last evaluated: 2024-10-14. Review status: criteria provided, single submitter. Criteria: Quest Diagnostics criteria. Collection method: clinical testing. Allele origin: unknown.
Comment: The CFTR c.1196C>T (p.Ala399Val) variant has been reported in the published literature in an individual with apparent idiopathic pancreatitis (PMID: 20460946 (2010)). It was also reported in a newborn cohort with positive CF screening tests (PMID: 33572515 (2021)). The frequency of this variant in the general population, 0.0034 (13/3804 chromosomes (Genome Aggregation Database)), is uninformative in the assessment of its pathogenicity. Analysis of this variant using bioinformatics tools for the prediction of the effect of amino acid changes on protein structure and function yielded predictions that this variant is damaging. Based on the available information, we are unable to determine the clinical significance of this variant.

Ambry Genetics
Classification: Uncertain significance for Cystic fibrosis. Last evaluated: 2024-07-04. Review status: criteria provided, single submitter. Criteria: Ambry Variant Classification Scheme 2023. Collection method: clinical testing. Allele origin: germline.
Comment: The p.A399V variant (also known as c.1196C>T), located in coding exon 9 of the CFTR gene, results from a C to T substitution at nucleotide position 1196. The alanine at codon 399 is replaced by valine, an amino acid with similar properties. This alteration was identified in an individual diagnosed with idiopathic pancreatitis (Pelletier AL et al. Pancreatology, 2010 May;10:158-64). This amino acid position is highly conserved in available vertebrate species. In addition, this alteration is predicted to be deleterious by in silico analysis. Based on the available evidence, the clinical significance of this variant remains unclear.

Genome-Nilou Lab
Classification: Uncertain significance for Cystic fibrosis. Last evaluated: 2021-07-14. Review status: criteria provided, single submitter. Criteria: ACMG Guidelines, 2015. Collection method: clinical testing. Allele origin: germline. Affected: no.

Illumina Laboratory Services, Illumina
Classification: Uncertain significance for CFTR-Related Disorders. Last evaluated: 2017-04-27. Review status: criteria provided, single submitter. Criteria: ICSL Variant Classification Criteria 13 December 2019. Collection method: clinical testing. Allele origin: germline.
Comment: This variant was observed as part of a predisposition screen in an ostensibly healthy population. A literature search was performed for the gene, cDNA change, and amino acid change (where applicable). Publications were found based on this search. However, the evidence from the literature, in combination with allele frequency data from public databases where available, was not sufficient to rule this variant in or out of causing disease. Therefore, this variant is classified as a variant of unknown significance.

Natera, Inc.
Classification: Uncertain significance for CFTR-related disorders. Last evaluated: 2018-08-17. Review status: no assertion criteria provided. Collection method: clinical testing. Allele origin: germline. Not counted in ClinVar's aggregate classification.

Counsyl
Classification: Uncertain significance for Cystic fibrosis. Last evaluated: 2017-08-28. Review status: no assertion criteria provided. Collection method: clinical testing. Allele origin: unknown. Not counted in ClinVar's aggregate classification.

Literature cited by the submitters: PubMed 20460946 (cited by 5 submitters); PubMed 33572515 (cited by Women's Health and Genetics/Laboratory Corporation of America, LabCorp and Quest Diagnostics Nichols Institute San Juan Capistrano).

NM_000492.4(CFTR):c.1196C>T (p.Ala399Val)

Gene: CFTR (CF transmembrane conductance regulator; plus strand). Cytogenetic location: 7q31.2.
Variant type: single nucleotide variant.
Coding change: c.1196C>T on transcript NM_000492.4 (MANE Select); coding-DNA position 1196, C replaced by T.
Protein change: p.Ala399Val; replaces alanine 399 with valine.
Molecular consequence: missense variant.
Genome position (GRCh38, 1-based): chr7:117,542,095, C>T. VCF-style: chr7-117542095-C-T. GRCh37 (hg19) VCF-style: chr7-117182149-C-T.
Other names: short protein forms A399V.
Identifiers: ClinVar variation 495889 (VCV000495889.22), dbSNP rs146463120, ClinGen allele CA4450918.